The following is an entry in ClinVar:

ClinVar aggregate classification (germline): Pathogenic (1 of 4 stars; one submission).

Conditions:
CHARGE syndrome (CHARGE). Also called: Coloboma, heart anomaly, choanal atresia, retardation, genital and ear anomalies; CHARGE association; Hall-Hittner syndrome; Hittner Hirsch Kreh syndrome; CHARGE ASSOCIATION--COLOBOMA, HEART ANOMALY, CHOANAL ATRESIA, RETARDATION, GENITAL AND EAR ANOMALIES. Identifiers: Orphanet 138, MedGen C0265354, MONDO:0008965.

Submission:

Labcorp Genetics (formerly Invitae), Labcorp
Classification: Pathogenic for CHARGE syndrome. Last evaluated: 2021-02-10. Review status: criteria provided, single submitter. Criteria: Invitae Variant Classification Sherloc (09022015). Collection method: clinical testing. Allele origin: germline.
Comment: For these reasons, this variant has been classified as Pathogenic. This variant has not been reported in the literature in individuals with CHD7-related conditions. This variant is not present in population databases (ExAC no frequency). This sequence change creates a premature translational stop signal (p.Gln212*) in the CHD7 gene. It is expected to result in an absent or disrupted protein product. Loss-of-function variants in CHD7 are known to be pathogenic (PMID: 22461308, 25077900).

Literature cited by the submitters: PubMed 22461308; PubMed 25077900.

NM_017780.4(CHD7):c.634C>T (p.Gln212Ter)

Gene: CHD7 (chromodomain helicase DNA binding protein 7; plus strand). Cytogenetic location: 8q12.2.
Variant type: single nucleotide variant.
Coding change: c.634C>T on transcript NM_017780.4 (MANE Select); coding-DNA position 634, C replaced by T.
Protein change: p.Gln212Ter; replaces glutamine 212 with a stop codon.
Molecular consequence: nonsense.
Genome position (GRCh38, 1-based): chr8:60,742,066, C>T. VCF-style: chr8-60742066-C-T. GRCh37 (hg19) VCF-style: chr8-61654625-C-T.
Other names: c.634C>T, p.Gln212Ter (NM_001316690.1); short protein forms Q212*.
Identifiers: ClinVar variation 1458900 (VCV001458900.6), dbSNP rs2150578792, ClinGen allele CA371298550.